The following is an entry in ClinVar:

NM_006231.4(POLE):c.5912A>T (p.Asn1971Ile)

Gene: POLE (DNA polymerase epsilon, catalytic subunit; minus strand). Cytogenetic location: 12q24.33.
Variant type: single nucleotide variant.
Coding change: c.5912A>T on transcript NM_006231.4 (MANE Select); coding-DNA position 5912, A replaced by T.
Protein change: p.Asn1971Ile; replaces asparagine 1971 with isoleucine.
Molecular consequence: missense variant.
Genome position (GRCh38, 1-based): chr12:132,634,278, T>A on the plus strand (A>T on the coding strand, the complement: POLE is on the minus strand). VCF-style: chr12-132634278-T-A. GRCh37 (hg19) VCF-style: chr12-133210864-T-A.
Other names: short protein forms N1971I.
Identifiers: ClinVar variation 3422128 (VCV003422128.1).
Genomic context (GRCh38, chr12:132,634,278, plus strand): 5'-GAGGCTGCCTGTGGCAAAAACTGCAAAATGTTCCAGTTGTTTTCCAGTAAATCCTCCACG[T>A]TGGATTCCTCCGCCTCTTCCTCCTCCTCCCCATCTCTTTCCTCCTCATCGTCCTCATTTT-3'
Protein context (NP_006222.2, residues 1961-1981): GEEEEEAEES[Asn1971Ile]VEDLLENNWN

ClinVar aggregate classification (germline): Uncertain significance (1 of 4 stars; one submission).

Conditions:
Hereditary cancer-predisposing syndrome. Also called: Neoplastic Syndromes, Hereditary; Tumor predisposition; Hereditary Cancer Syndrome; Hereditary neoplastic syndrome. Identifiers: Orphanet 140162, MedGen C0027672, MeSH D009386, MONDO:0015356.

Submission:

Ambry Genetics
Classification: Uncertain significance for Hereditary cancer-predisposing syndrome. Last evaluated: 2024-08-10. Review status: criteria provided, single submitter. Criteria: Ambry Variant Classification Scheme 2023. Collection method: clinical testing. Allele origin: germline.
Comment: The p.N1971I variant (also known as c.5912A>T), located in coding exon 43 of the POLE gene, results from an A to T substitution at nucleotide position 5912. The asparagine at codon 1971 is replaced by isoleucine, an amino acid with dissimilar properties. This amino acid position is conserved. In addition, this alteration is predicted to be tolerated by in silico analysis. Based on the available evidence, the clinical significance of this variant remains unclear.